The following is an entry in ClinVar:

NM_000144.5(FXN):c.483-12_483del

Gene: FXN (frataxin; plus strand). Cytogenetic location: 9q21.11.
Variant type: Deletion.
Coding change: c.483-12_483del on transcript NM_000144.5 (MANE Select); 12 bases into the intron before coding-DNA position 483 through coding-DNA position 483, 13 bases deleted (TTTGTCTTCCAGT).
Molecular consequence: splice acceptor variant.
Genome position (GRCh38, 1-based): chr9:69,072,600-69,072,612, TTTGTCTTCCAGT deleted; deleting any 13 consecutive bases within chr9:69,072,598-69,072,612 gives the same sequence; the c. name uses the placement nearest the transcript's 3' end. VCF-style (leftmost placement, unchanged base first): chr9-69072597-TGTTTTGTCTTCCA-T. GRCh37 (hg19) VCF-style: chr9-71687513-TGTTTTGTCTTCCA-T.
Other names: c.483-12_483del13 (NM_000144.5); c.491-12_491del (NM_181425.3).
Identifiers: ClinVar variation 3233904 (VCV003233904.2), dbSNP rs2539217018, ClinGen allele CA2825001629.

ClinVar aggregate classification (germline): Likely pathogenic (1 of 4 stars; one submission).

Conditions:
Friedreich ataxia 1 (FRDA1). Identifiers: Orphanet 95, MedGen C1856689, MONDO:0100340, OMIM 229300.

Submission:

Women's Health and Genetics/Laboratory Corporation of America, LabCorp
Classification: Likely pathogenic for Friedreich ataxia 1. Last evaluated: 2024-03-18. Review status: criteria provided, single submitter. Criteria: LabCorp Variant Classification Summary - May 2015. Collection method: clinical testing. Allele origin: germline.
Comment: Variant summary: FXN c.483-12_483del13 spans a canonical splice-site and is predicted to affect mRNA splicing resulting in a significantly altered protein due to either exon skipping, shortening, or inclusion of intronic material. Several computational tools predict a significant impact on normal splicing: Four predict the variant abolishes a 3' acceptor site. However, these predictions have yet to be confirmed by functional studies. The variant was absent in 250972 control chromosomes (gnomAD). To our knowledge, no occurrence of c.483-12_483del13 in individuals affected with Friedreich Ataxia and no experimental evidence demonstrating its impact on protein function have been reported. No submitters have cited clinical-significance assessments for this variant to ClinVar. Based on the evidence outlined above, the variant was classified as likely pathogenic.